The following is an entry in ClinVar:

ClinVar aggregate classification (germline): Likely pathogenic. Review status: criteria provided, single submitter (1 of 4 stars). 2 submissions from 2 submitters: Likely pathogenic (1). 1 of the submissions does not count toward it. Last evaluated 2025-05-19.

Conditions:
Retinitis pigmentosa 80 (RP80). Identifiers: MedGen C4540439, MONDO:0054708, OMIM 617781.
Saldino-Mainzer syndrome (SRTD9). Also called: short-rib thoracic dysplasia 9 with or without polydactyly; CONORENAL SYNDROME; SHORT-RIB THORACIC DYSPLASIA 9 WITHOUT POLYDACTYLY; Renal dysplasia, retinal pigmentary dystrophy, cerebellar ataxia and skeletal dysplasia. Identifiers: Orphanet 140969, MedGen C1849437, MONDO:0009964, OMIM 266920.

Allele frequency attached by ClinVar (database versions not stated): TOPMed below 0.00001; gnomAD 0.00001; gnomAD exomes 0.00001; ESP Exome Variant Server 0.00008.
gnomAD v4.1: 14 of 1,612,872 alleles (0.00087%); highest among the groups gnomAD compares: Non-Finnish European, 0.0012%; no homozygotes.

Submissions (2):

Labcorp Genetics (formerly Invitae), Labcorp
Classification: Likely pathogenic for Saldino-Mainzer syndrome. Last evaluated: 2025-05-19. Review status: criteria provided, single submitter. Criteria: Invitae Variant Classification Sherloc (09022015). Collection method: clinical testing. Allele origin: germline.
Comment: This sequence change replaces serine, which is neutral and polar, with proline, which is neutral and non-polar, at codon 939 of the IFT140 protein (p.Ser939Pro). This variant is not present in population databases (gnomAD no frequency). This missense change has been observed in individual(s) with retinitis pigmentosa (PMID: 26968735; internal data). In at least one individual the data is consistent with being in trans (on the opposite chromosome) from a pathogenic variant. It has also been observed to segregate with disease in related individuals. ClinVar contains an entry for this variant (Variation ID: 446315). Invitae Evidence Modeling of protein sequence and biophysical properties (such as structural, functional, and spatial information, amino acid conservation, physicochemical variation, residue mobility, and thermodynamic stability) indicates that this missense variant is not expected to disrupt IFT140 protein function with a negative predictive value of 80%. In summary, the currently available evidence indicates that the variant is pathogenic, but additional data are needed to prove that conclusively. Therefore, this variant has been classified as Likely Pathogenic.

OMIM
Classification: Pathogenic for RETINITIS PIGMENTOSA 80. Last evaluated: 2017-11-22. Review status: no assertion criteria provided. Collection method: literature only. Allele origin: germline. Not counted in ClinVar's aggregate classification.

Literature cited by the submitters: PubMed 26968735 (cited by Labcorp Genetics (formerly Invitae), Labcorp and OMIM).

NM_014714.4(IFT140):c.2815T>C (p.Ser939Pro)

Genes: IFT140 (intraflagellar transport 140; minus strand), LOC126862260 (CDK7 strongly-dependent group 2 enhancer GRCh37_chr16:1574508-1575707; plus strand). Cytogenetic location: 16p13.3.
Variant type: single nucleotide variant.
Coding change: c.2815T>C on transcript NM_014714.4 (MANE Select); coding-DNA position 2815, T replaced by C.
Protein change: p.Ser939Pro; replaces serine 939 with proline.
Molecular consequence: missense variant.
Genome position (GRCh38, 1-based): chr16:1,525,280, A>G on the plus strand (T>C on the coding strand, the complement: IFT140 is on the minus strand). VCF-style: chr16-1525280-A-G. GRCh37 (hg19) VCF-style: chr16-1575281-A-G.
Other names: short protein forms S939P.
Identifiers: ClinVar variation 446315 (VCV000446315.4), dbSNP rs145549969, ClinGen allele CA276680253.
Genomic context (GRCh38, chr16:1,525,280, plus strand): 5'-GGGACACTCACTTATCCTTCATTTTATTCACGTAGAGCTCCAGGGACGGCAGGTCCTCCG[A>G]CAGCATCCTGGGCACCTCGAAGCGGTGCGTGTCCGACTTCTCGTAGCTGTGAGAGAAGGA-3'
Protein context (NP_055529.2, residues 929-949): THRFEVPRML[Ser939Pro]EDLPSLELYV